The following is an entry in ClinVar:

ClinVar aggregate classification (germline): Likely benign. Review status: criteria provided, multiple submitters, no conflicts (2 of 4 stars). 2 submissions from 2 submitters: Likely benign (2). Last evaluated 2026-02-02.

Conditions:
Rubinstein-Taybi syndrome due to EP300 haploinsufficiency. Also called: RUBINSTEIN-TAYBI SYNDROME 2; EP300-Related Rubinstein-Taybi Syndrome. Identifiers: Orphanet 353284, Orphanet 783, MedGen C3150941, MONDO:0013364, OMIM 613684.
EP300-related disorder. Also called: EP300-related disorders; EP300-related condition.

gnomAD v4.1: 13 of 1,614,080 alleles (0.00081%); highest among the groups gnomAD compares: Middle Eastern, 0.016%; no homozygotes.

Submissions (2):

PreventionGenetics, part of Exact Sciences
Classification: Likely benign for EP300-related condition. Last evaluated: 2026-02-02. Review status: criteria provided, single submitter. Criteria: ACMG Guidelines, 2015. Collection method: clinical testing. Allele origin: germline.
Comment: This variant is classified as likely benign based on ACMG/AMP sequence variant interpretation guidelines (Richards et al. 2015 PMID: 25741868, with internal and published modifications).

Labcorp Genetics (formerly Invitae), Labcorp
Classification: Likely benign for Rubinstein-Taybi syndrome due to EP300 haploinsufficiency. Last evaluated: 2025-06-22. Review status: criteria provided, single submitter. Criteria: Invitae Variant Classification Sherloc (09022015). Collection method: clinical testing. Allele origin: germline.

NM_001429.4(EP300):c.5071T>C (p.Leu1691=)

Gene: EP300 (EP300 lysine acetyltransferase; plus strand). Cytogenetic location: 22q13.2.
Variant type: single nucleotide variant.
Coding change: c.5071T>C on transcript NM_001429.4 (MANE Select); coding-DNA position 5071, T replaced by C.
Protein change: p.Leu1691=; no amino-acid change (leucine 1691 retained).
Molecular consequence: synonymous variant.
Genome position (GRCh38, 1-based): chr22:41,176,782, T>C. VCF-style: chr22-41176782-T-C. GRCh37 (hg19) VCF-style: chr22-41572786-T-C.
Other names: c.4993T>C, p.Leu1665= (NM_001362843.2); c.5071T>C (NM_001429.3).
Identifiers: ClinVar variation 4811595 (VCV004811595.2).